The following is an entry in ClinVar:

ClinVar aggregate classification (germline): Uncertain significance. Review status: criteria provided, multiple submitters, no conflicts (2 of 4 stars). 2 submissions from 2 submitters: Uncertain significance (2). Last evaluated 2026-01-28.

Allele frequency attached by ClinVar (database versions not stated): gnomAD 0.00001; TOPMed 0.00002; ExAC 0.00003; gnomAD exomes 0.00003 and 0.00004; ESP Exome Variant Server 0.00008.
gnomAD v4.1: 51 of 1,613,778 alleles (0.0032%); highest among the groups gnomAD compares: Non-Finnish European, 0.0042%; no homozygotes.

Submissions (2):

Labcorp Genetics (formerly Invitae), Labcorp
Classification: Uncertain significance. Last evaluated: 2026-01-28. Review status: criteria provided, single submitter. Criteria: Invitae Variant Classification Sherloc (09022015). Collection method: clinical testing. Allele origin: germline.
Comment: This sequence change replaces glutamic acid, which is acidic and polar, with glutamine, which is neutral and polar, at codon 397 of the ANKZF1 protein (p.Glu397Gln). This variant is present in population databases (rs368810674, gnomAD 0.008%). This variant has not been reported in the literature in individuals affected with ANKZF1-related conditions. ClinVar contains an entry for this variant (Variation ID: 1442951). An algorithm developed to predict the effect of missense changes on protein structure and function (PolyPhen-2) suggests that this variant is likely to be tolerated. In summary, the available evidence is currently insufficient to determine the role of this variant in disease. Therefore, it has been classified as a Variant of Uncertain Significance.

Ambry Genetics
Classification: Uncertain significance. Last evaluated: 2025-01-19. Review status: criteria provided, single submitter. Criteria: Ambry Variant Classification Scheme 2023. Collection method: clinical testing. Allele origin: germline.

NM_018089.3(ANKZF1):c.1189G>C (p.Glu397Gln)

Gene: ANKZF1 (ankyrin repeat and zinc finger peptidyl tRNA hydrolase 1; plus strand). Cytogenetic location: 2q35.
Variant type: single nucleotide variant.
Coding change: c.1189G>C on transcript NM_018089.3 (MANE Select); coding-DNA position 1189, G replaced by C.
Protein change: p.Glu397Gln; replaces glutamic acid 397 with glutamine.
Molecular consequence: missense variant.
Genome position (GRCh38, 1-based): chr2:219,234,273, G>C. VCF-style: chr2-219234273-G-C. GRCh37 (hg19) VCF-style: chr2-220098995-G-C.
Other names: c.1189G>C, p.Glu397Gln (NM_001042410.2); c.559G>C, p.Glu187Gln (NM_001282792.2); c.1189G>C (NM_018089.2); short protein forms E397Q, E187Q.
Identifiers: ClinVar variation 1442951 (VCV001442951.8), dbSNP rs368810674, ClinGen allele CA2120988.